The following is an entry in ClinVar:

NM_138694.4(PKHD1):c.3728C>T (p.Thr1243Met)

Gene: PKHD1 (PKHD1 ciliary IPT domain containing fibrocystin/polyductin; minus strand). Cytogenetic location: 6p12.2.
Variant type: single nucleotide variant.
Coding change: c.3728C>T on transcript NM_138694.4 (MANE Select); coding-DNA position 3728, C replaced by T.
Protein change: p.Thr1243Met; replaces threonine 1243 with methionine.
Molecular consequence: missense variant.
Genome position (GRCh38, 1-based): chr6:52,026,082, G>A on the plus strand (C>T on the coding strand, the complement: PKHD1 is on the minus strand). VCF-style: chr6-52026082-G-A. GRCh37 (hg19) VCF-style: chr6-51890880-G-A.
Other names: c.3728C>T, p.Thr1243Met (NM_170724.3); short protein forms T1243M.
Identifiers: ClinVar variation 3704716 (VCV003704716.2).

ClinVar aggregate classification (germline): Uncertain significance (1 of 4 stars; one submission).

Conditions:
Autosomal recessive polycystic kidney disease (ARPKD). Also called: AR polycystic kidney disease. Identifiers: Orphanet 731, Orphanet 8378, MedGen C0085548, MeSH D017044, MONDO:0009889.

gnomAD v4.1: 22 of 1,614,126 alleles (0.0014%); highest among the groups gnomAD compares: East Asian, 0.0022%; no homozygotes.

Submission:

Labcorp Genetics (formerly Invitae), Labcorp
Classification: Uncertain significance for Autosomal recessive polycystic kidney disease. Last evaluated: 2025-05-19. Review status: criteria provided, single submitter. Criteria: Invitae Variant Classification Sherloc (09022015). Collection method: clinical testing. Allele origin: germline.
Comment: This sequence change replaces threonine, which is neutral and polar, with methionine, which is neutral and non-polar, at codon 1243 of the PKHD1 protein (p.Thr1243Met). This variant is present in population databases (no rsID available, gnomAD 0.006%). This variant has not been reported in the literature in individuals affected with PKHD1-related conditions. ClinVar contains an entry for this variant (Variation ID: 3704716). Invitae Evidence Modeling of protein sequence and biophysical properties (such as structural, functional, and spatial information, amino acid conservation, physicochemical variation, residue mobility, and thermodynamic stability) indicates that this missense variant is not expected to disrupt PKHD1 protein function with a negative predictive value of 95%. In summary, the available evidence is currently insufficient to determine the role of this variant in disease. Therefore, it has been classified as a Variant of Uncertain Significance.